The following is an entry in ClinVar:

NM_017617.5(NOTCH1):c.6151G>C (p.Gly2051Arg)

Genes: NOTCH1 (notch receptor 1; minus strand), LOC126860794 (BRD4-independent group 4 enhancer GRCh37_chr9:139392592-139393791; plus strand). Cytogenetic location: 9q34.3.
Variant type: single nucleotide variant.
Coding change: c.6151G>C on transcript NM_017617.5 (MANE Select); coding-DNA position 6151, G replaced by C.
Protein change: p.Gly2051Arg; replaces glycine 2051 with arginine.
Molecular consequence: missense variant.
Genome position (GRCh38, 1-based): chr9:136,498,928, C>G on the plus strand (G>C on the coding strand, the complement: NOTCH1 is on the minus strand). VCF-style: chr9-136498928-C-G. GRCh37 (hg19) VCF-style: chr9-139393380-C-G.
Other names: short protein forms G2051R.
Identifiers: ClinVar variation 5009849 (VCV005009849.1).

ClinVar aggregate classification (germline): Uncertain significance (1 of 4 stars; one submission).

gnomAD v4.1: 1 of 1,613,758 alleles (0.000062%); no homozygotes.

Submission:

GeneDx
Classification: Uncertain significance. Last evaluated: 2026-02-27. Review status: criteria provided, single submitter. Criteria: GeneDx Variant Classification Process June 2021. Collection method: clinical testing. Allele origin: germline.
Comment: Not observed at significant frequency in large population cohorts (gnomAD); In silico analysis supports that this missense variant has a deleterious effect on protein structure/function; Has not been previously published as pathogenic or benign to our knowledge